The following is an entry in ClinVar:

NM_000497.4(CYP11B1):c.874G>T (p.Glu292Ter)

Genes: CYP11B1 (cytochrome P450 family 11 subfamily B member 1; minus strand), LOC106799833 (CYP11B1 recombination region; plus strand). Cytogenetic location: 8q24.3.
Variant type: single nucleotide variant.
Coding change: c.874G>T on transcript NM_000497.4 (MANE Select); coding-DNA position 874, G replaced by T.
Protein change: p.Glu292Ter; replaces glutamic acid 292 with a stop codon.
Molecular consequence: nonsense.
Genome position (GRCh38, 1-based): chr8:142,876,321, C>A on the plus strand (G>T on the coding strand, the complement: CYP11B1 is on the minus strand). VCF-style: chr8-142876321-C-A. GRCh37 (hg19) VCF-style: chr8-143957737-C-A.
Other names: c.874G>T, p.Glu292Ter (NM_001026213.1); short protein forms E292*.
Identifiers: ClinVar variation 2098506 (VCV002098506.4), dbSNP rs2488677484, ClinGen allele CA372395192.
Genomic context (GRCh38, chr8:142,876,321, plus strand): 5'-TGAGTTCCATAGAGTTGGCCTTGATGGCATCTGGCGACAGTTCCGCATTCAACAGGAGCT[C>A]CGCCACGATGCTGGTGTACTGTTGAGGGCGGCTGAAGGCCAGTTCCTGATAGATTTTCTG-3'

ClinVar aggregate classification (germline): Pathogenic (1 of 4 stars; one submission).

Submission:

Labcorp Genetics (formerly Invitae), Labcorp
Classification: Pathogenic. Last evaluated: 2022-04-08. Review status: criteria provided, single submitter. Criteria: Invitae Variant Classification Sherloc (09022015). Collection method: clinical testing. Allele origin: germline.
Comment: For these reasons, this variant has been classified as Pathogenic. This premature translational stop signal has been observed in individual(s) with 11-beta-hydroxylase deficiency (PMID: 33275286). This variant is not present in population databases (gnomAD no frequency). This sequence change creates a premature translational stop signal (p.Glu292*) in the CYP11B1 gene. It is expected to result in an absent or disrupted protein product. Loss-of-function variants in CYP11B1 are known to be pathogenic (PMID: 8506298, 26476331).

Literature cited by the submitters: PubMed 33275286; PubMed 8506298; PubMed 26476331.